The following is an entry in ClinVar:

NM_001365276.2(TNXB):c.2632G>A (p.Gly878Ser)

Gene: TNXB (tenascin XB; minus strand). Cytogenetic location: 6p21.33.
Variant type: single nucleotide variant.
Coding change: c.2632G>A on transcript NM_001365276.2 (MANE Select); coding-DNA position 2632, G replaced by A.
Protein change: p.Gly878Ser; replaces glycine 878 with serine.
Molecular consequence: missense variant.
Genome position (GRCh38, 1-based): chr6:32,088,932, C>T on the plus strand (G>A on the coding strand, the complement: TNXB is on the minus strand). VCF-style: chr6-32088932-C-T. GRCh37 (hg19) VCF-style: chr6-32056709-C-T.
Other names: p.Gly878Ser; c.2632G>A, p.Gly878Ser (NM_019105.8); short protein forms G878S.
Identifiers: ClinVar variation 1794074 (VCV001794074.4), dbSNP rs570126253, ClinGen allele CA3735443.
Genomic context (GRCh38, chr6:32,088,932, plus strand): 5'-GGTCAGTCAGCAGCGTCCCGTCTGCTTCAGGGGGCACTTCCAGCCTCACCCTCTGGTTGC[C>T]GGCACTGACGTAGGACACCACAAATCGGTCCACCTCAGCCTGGGGACGCAGCCAGCCAAG-3'
Protein context (NP_001352205.1, residues 868-888): DRFVVSYVSA[Gly878Ser]NQRVRLEVPP

ClinVar aggregate classification (germline): Uncertain significance. Review status: criteria provided, multiple submitters, no conflicts (2 of 4 stars). 2 submissions from 2 submitters: Uncertain significance (2). Last evaluated 2025-08-28.

Conditions:
Cardiovascular phenotype. Identifiers: MedGen CN230736.

Allele frequency attached by ClinVar (database versions not stated): ExAC 0.00006; gnomAD 0.00013; gnomAD exomes 0.00004; 1000 Genomes Project 30x 0.00016; TOPMed 0.00008; 1000 Genomes Project 0.00020.
gnomAD v4.1: 71 of 1,603,318 alleles (0.0044%); highest among the groups gnomAD compares: East Asian, 0.072%; no homozygotes.

Submissions (2):

Ambry Genetics
Classification: Uncertain significance for Cardiovascular phenotype. Last evaluated: 2025-08-28. Review status: criteria provided, single submitter. Criteria: Ambry Variant Classification Scheme 2023. Collection method: clinical testing. Allele origin: germline.
Comment: The p.G878S variant (also known as c.2632G>A), located in coding exon 5 of the TNXB gene, results from a G to A substitution at nucleotide position 2632. The glycine at codon 878 is replaced by serine, an amino acid with similar properties. This amino acid position is well conserved in available vertebrate species. In addition, this alteration is predicted to be tolerated by in silico analysis. Based on the available evidence, the clinical significance of this variant remains unclear.

Mayo Clinic Laboratories, Mayo Clinic
Classification: Uncertain significance. Last evaluated: 2025-07-24. Review status: criteria provided, single submitter. Criteria: ACMG Guidelines, 2015. Collection method: clinical testing. Allele origin: germline. Observed: 1 variant allele.